The following is an entry in ClinVar:

ClinVar aggregate classification (germline): Likely benign. Review status: criteria provided, multiple submitters, no conflicts (2 of 4 stars). 2 submissions from 2 submitters: Likely benign (2). Last evaluated 2024-02-23.

Conditions:
Arrhythmogenic right ventricular dysplasia 8 (ARVD8). Also called: Arrhythmogenic Right Ventricular Dysplasia/Cardiomyopathy 8; ARRHYTHMOGENIC RIGHT VENTRICULAR DYSPLASIA, FAMILIAL, 8; ARRHYTHMOGENIC RIGHT VENTRICULAR CARDIOMYOPATHY 8. Identifiers: MedGen C1843896, MONDO:0011831, OMIM 607450.
Arrhythmogenic cardiomyopathy with wooly hair and keratoderma. Also called: PALMOPLANTAR KERATODERMA WITH LEFT VENTRICULAR CARDIOMYOPATHY AND WOOLLY HAIR; Carvajal syndrome; Arrhythmogenic cardiomyopathy with woolly hair and keratoderma; Dilated cardiomyopathy with woolly hair and keratoderma. Identifiers: Orphanet 65282, MedGen C1854063, MONDO:0011581, OMIM 605676.

gnomAD v4.1: 20 of 1,580,760 alleles (0.0013%); highest among the groups gnomAD compares: Non-Finnish European, 0.0016%; no homozygotes.

Submissions (2):

Labcorp Genetics (formerly Invitae), Labcorp
Classification: Likely benign for Arrhythmogenic cardiomyopathy with wooly hair and keratoderma; Arrhythmogenic right ventricular dysplasia 8. Last evaluated: 2024-02-23. Review status: criteria provided, single submitter. Criteria: Invitae Variant Classification Sherloc (09022015). Collection method: clinical testing. Allele origin: germline.

All of Us Research Program, National Institutes of Health
Classification: Likely benign for Arrhythmogenic cardiomyopathy with wooly hair and keratoderma. Last evaluated: 2023-02-24. Review status: criteria provided, single submitter. Criteria: ACMG Guidelines, 2015. Collection method: clinical testing. Allele origin: germline. Inheritance: Autosomal dominant inheritance. Observed: 1 variant allele, 1 heterozygote.
Comment: This study involves interpretation of variants in research participants for the purpose of population health screening. Participant phenotype was not available at the time of variant classification. Additional details can be found in publication PMID: 35346344, PMCID: PMC8962531

NM_004415.4(DSP):c.117G>A (p.Arg39=)

Genes: DSP-AS1 (DSP antisense RNA 1; minus strand), DSP (desmoplakin; plus strand). Cytogenetic location: 6p24.3.
Variant type: single nucleotide variant.
Coding change: c.117G>A on transcript NM_004415.4 (MANE Select); coding-DNA position 117, G replaced by A.
Protein change: p.Arg39=; no amino-acid change (arginine 39 retained).
Molecular consequence: synonymous variant.
Genome position (GRCh38, 1-based): chr6:7,542,032, G>A. VCF-style: chr6-7542032-G-A. GRCh37 (hg19) VCF-style: chr6-7542265-G-A.
Other names: c.117G>A, p.Arg39= (NM_001008844.3, NM_001319034.2, NM_001406591.1).
Identifiers: ClinVar variation 2926396 (VCV002926396.4), dbSNP rs748578019, ClinGen allele CA027167.